The following is an entry in ClinVar:

NM_001375567.1(FOCAD):c.5005-8C>T

Gene: FOCAD (focadhesin; plus strand). Cytogenetic location: 9p21.3.
Variant type: single nucleotide variant.
Coding change: c.5005-8C>T on transcript NM_001375567.1 (MANE Select); 8 bases into the intron before coding-DNA position 5005, C replaced by T.
Molecular consequence: intron variant.
Genome position (GRCh38, 1-based): chr9:20,990,115, C>T. VCF-style: chr9-20990115-C-T. GRCh37 (hg19) VCF-style: chr9-20990114-C-T.
Other names: c.5005-8C>T (NM_017794.5); c.4900-8C>T (NM_001375568.1, NM_001375570.1).
Identifiers: ClinVar variation 3714154 (VCV003714154.2).

ClinVar aggregate classification (germline): Uncertain significance (1 of 4 stars; one submission).

gnomAD v4.1: 29 of 1,613,678 alleles (0.0018%); highest among the groups gnomAD compares: Non-Finnish European, 0.0022%; no homozygotes.

Submission:

Labcorp Genetics (formerly Invitae), Labcorp
Classification: Uncertain significance. Last evaluated: 2024-09-25. Review status: criteria provided, single submitter. Criteria: Invitae Variant Classification Sherloc (09022015). Collection method: clinical testing. Allele origin: germline.
Comment: This sequence change falls in intron 43 of the FOCAD gene. It does not directly change the encoded amino acid sequence of the FOCAD protein. This variant is present in population databases (no rsID available, gnomAD 0.003%). This variant has not been reported in the literature in individuals affected with FOCAD-related conditions. Experimental studies and prediction algorithms are not available or were not evaluated, and the effect of this variant on mRNA splicing is currently unknown. In summary, the available evidence is currently insufficient to determine the role of this variant in disease. Therefore, it has been classified as a Variant of Uncertain Significance.